The following is an entry in ClinVar:

ClinVar aggregate classification (germline): Pathogenic. Review status: criteria provided, multiple submitters, no conflicts (2 of 4 stars). 3 submissions from 3 submitters: Pathogenic (2). 1 of the submissions does not count toward it. Last evaluated 2022-06-08.

Conditions:
Fibrous dysplasia of jaw (CRBM). Also called: Cherubism. Identifiers: Orphanet 184, MedGen C0008029, MONDO:0007315, OMIM 118400.
SH3BP2-related disorder. Also called: SH3BP2-related condition.

Submissions (3):

Labcorp Genetics (formerly Invitae), Labcorp
Classification: Pathogenic for Fibrous dysplasia of jaw. Last evaluated: 2022-06-08. Review status: criteria provided, single submitter. Criteria: Invitae Variant Classification Sherloc (09022015). Collection method: clinical testing. Allele origin: germline.
Comment: This variant is also known as p.G418R. This missense change has been observed in individual(s) with cherubism (PMID: 12900899, 23298620). It has also been observed to segregate with disease in related individuals. This variant is not present in population databases (gnomAD no frequency). This sequence change replaces glycine, which is neutral and non-polar, with arginine, which is basic and polar, at codon 420 of the SH3BP2 protein (p.Gly420Arg). ClinVar contains an entry for this variant (Variation ID: 372503). For these reasons, this variant has been classified as Pathogenic. Experimental studies have shown that this missense change affects SH3BP2 function (PMID: 22153076). Algorithms developed to predict the effect of missense changes on protein structure and function are either unavailable or do not agree on the potential impact of this missense change (SIFT: "Deleterious"; PolyPhen-2: "Probably Damaging"; Align-GVGD: "Class C15").

GeneDx
Classification: Pathogenic. Last evaluated: 2016-11-14. Review status: criteria provided, single submitter. Criteria: GeneDx Variant Classification (06012015). Collection method: clinical testing. Allele origin: germline. Affected: yes.
Comment: The G420R variant has been published previously in association with cherubism in an Italian family (Lo et al., 2003). It was not observed in approximately 6,500 individuals of European and African American ancestry in the NHLBI Exome Sequencing Project, indicating it is not a common benign variant in these populations. G420R is a non-conservative amino acid substitution, which is likely to impact secondary protein structure as these residues differ in polarity, charge, size and/or other properties. This substitution occurs at a position that is conserved across species and in silico analysis predicts this variant is probably damaging to the protein structure/function. Another nucelotide change leading to the same amino acid change (c.1258 G>C), a missense change at the same residue (G420E), and missense variants in nearby residues (R415Q/P, P418T/H/L/R, D419N/G/Y) have been reported in the Human Gene Mutation Database in association with cherubism (Stenson et al., 2014), supporting the functional importance of this region of the protein. Furthermore, functional studies have shown that the G420R inhibits the binding of tankyrase to ARC4 ( Guettler et al., 2011). Therefore, we consider G420R a pathogenic variant.

PreventionGenetics, part of Exact Sciences
Classification: Pathogenic for SH3BP2-related condition. Last evaluated: 2024-04-01. Review status: no assertion criteria provided. Collection method: clinical testing. Allele origin: germline. Not counted in ClinVar's aggregate classification.
Comment: The SH3BP2 c.1258G>A variant is predicted to result in the amino acid substitution p.Gly420Arg. This variant was reported to segregate with cherubism in family with several affected individuals (Lo et al. 2003. PubMed ID: 12900899). The Gly420 residue resides in a highly conserved 8 amino acid TNKS-binding motif responsible for interactions with the ARC4 region of the TNKS2 protein and functional studies found that disruption of Gly420 results in defective binding (Guettler et al. 2011. PubMed ID: 22153077). This variant has not been reported in a large population database, indicating this variant is rare. Additionally, alternate nucleotide substitutions (c.1258G>C) which result in the same missense variant (p.Gly420Arg) have been reported in individuals with cherubism (Ueki et al. 2001. PubMed ID: 11381256). This variant is interpreted as pathogenic.

Literature cited by the submitters: PubMed 12900899 (cited by Labcorp Genetics (formerly Invitae), Labcorp); PubMed 23298620 (cited by Labcorp Genetics (formerly Invitae), Labcorp); PubMed 22153076 (cited by Labcorp Genetics (formerly Invitae), Labcorp).

NM_001122681.2(SH3BP2):c.1258G>A (p.Gly420Arg)

Gene: SH3BP2 (SH3 domain binding protein 2; plus strand). Cytogenetic location: 4p16.3.
Variant type: single nucleotide variant.
Coding change: c.1258G>A on transcript NM_001122681.2 (MANE Select); coding-DNA position 1258, G replaced by A.
Protein change: p.Gly420Arg; replaces glycine 420 with arginine.
Molecular consequence: missense variant.
Genome position (GRCh38, 1-based): chr4:2,831,587, G>A. VCF-style: chr4-2831587-G-A. GRCh37 (hg19) VCF-style: chr4-2833314-G-A.
Other names: c.1342G>A, p.Gly448Arg (LRG_1334t2, NM_001145855.2); c.1258G>A, p.Gly420Arg (LRG_1334t1, NM_003023.4); c.1429G>A, p.Gly477Arg (NM_001145856.2); short protein forms G420R, G448R, G477R.
Identifiers: ClinVar variation 372503 (VCV000372503.7), dbSNP rs28938170, ClinGen allele CA16042561.